The following is an entry in ClinVar:

ClinVar aggregate classification (germline): Likely benign (1 of 4 stars; one submission).

Conditions:
SERPINA1-related disorder. Also called: SERPINA1-related condition; SerpinA1-related disorders.

gnomAD v4.1: 1 of 1,614,118 alleles (0.000062%); highest among the groups gnomAD compares: Non-Finnish European, 0.000085%; no homozygotes.

Submission:

PreventionGenetics, part of Exact Sciences
Classification: Likely benign for SERPINA1-related condition. Last evaluated: 2026-09-02. Review status: criteria provided, single submitter. Criteria: ACMG Guidelines, 2015. Collection method: clinical testing. Allele origin: germline.
Comment: This variant is classified as likely benign based on ACMG/AMP sequence variant interpretation guidelines (Richards et al. 2015 PMID: 25741868, with internal and published modifications).

NM_000295.5(SERPINA1):c.777G>T (p.Leu259=)

Gene: SERPINA1 (serpin family A member 1; minus strand). Cytogenetic location: 14q32.13.
Variant type: single nucleotide variant.
Coding change: c.777G>T on transcript NM_000295.5 (MANE Select); coding-DNA position 777, G replaced by T.
Protein change: p.Leu259=; no amino-acid change (leucine 259 retained).
Molecular consequence: synonymous variant.
Genome position (GRCh38, 1-based): chr14:94,381,011, C>A on the plus strand (G>T on the coding strand, the complement: SERPINA1 is on the minus strand). VCF-style: chr14-94381011-C-A. GRCh37 (hg19) VCF-style: chr14-94847348-C-A.
Other names: c.777G>T, p.Leu259= (NM_001002235.3, NM_001002236.3, NM_001127700.2 and 7 more transcripts).
Identifiers: ClinVar variation 4992687 (VCV004992687.1).